The following is an entry in ClinVar:

NC_000018.9:g.(?_44089641)_(44089798_?)del

Gene: LOXHD1 (lipoxygenase homology PLAT domains 1; minus strand). Cytogenetic location: 18q21.1.
Variant type: Deletion.
Identifiers: ClinVar variation 3242814 (VCV003242814.1).

ClinVar aggregate classification (germline): Pathogenic (1 of 4 stars; one submission).

Submission:

Labcorp Genetics (formerly Invitae), Labcorp
Classification: Pathogenic. Last evaluated: 2023-05-30. Review status: criteria provided, single submitter. Criteria: Invitae Variant Classification Sherloc (09022015). Collection method: clinical testing. Allele origin: unknown.
Comment: For these reasons, this variant has been classified as Pathogenic. This variant has not been reported in the literature in individuals affected with LOXHD1-related conditions. This variant is a gross deletion of the genomic region encompassing exon(s) 34 of the LOXHD1 gene. This deletion is out-of-frame, and is expected to create a premature termination codon and result in an absent or disrupted protein product. Loss-of-function variants in LOXHD1 are known to be pathogenic (PMID: 19732867, 21465660, 25792669).

Literature cited by the submitters: PubMed 19732867; PubMed 21465660; PubMed 25792669.